The following is an entry in ClinVar:

ClinVar aggregate classification (germline): Uncertain significance. Review status: criteria provided, multiple submitters, no conflicts (2 of 4 stars). 2 submissions from 2 submitters: Uncertain significance (2). Last evaluated 2023-07-06.

Conditions:
Inborn genetic diseases. Identifiers: MedGen C0950123, MeSH D030342.
Early Myoclonic Encephalopathy. Identifiers: MedGen C0270855.

gnomAD v4.1: 62 of 1,614,062 alleles (0.0038%); highest among the groups gnomAD compares: Non-Finnish European, 0.0051%; no homozygotes.

Submissions (2):

Labcorp Genetics (formerly Invitae), Labcorp
Classification: Uncertain significance for Early Myoclonic Encephalopathy. Last evaluated: 2023-07-06. Review status: criteria provided, single submitter. Criteria: Invitae Variant Classification Sherloc (09022015). Collection method: clinical testing. Allele origin: germline.
Comment: This sequence change replaces valine, which is neutral and non-polar, with leucine, which is neutral and non-polar, at codon 22 of the KCND2 protein (p.Val22Leu). This variant is present in population databases (rs746823484, gnomAD 0.004%). This variant has not been reported in the literature in individuals affected with KCND2-related conditions. ClinVar contains an entry for this variant (Variation ID: 648141). Advanced modeling of protein sequence and biophysical properties (such as structural, functional, and spatial information, amino acid conservation, physicochemical variation, residue mobility, and thermodynamic stability) performed at Invitae indicates that this missense variant is not expected to disrupt KCND2 protein function. In summary, the available evidence is currently insufficient to determine the role of this variant in disease. Therefore, it has been classified as a Variant of Uncertain Significance.

Ambry Genetics
Classification: Uncertain significance for Inborn genetic diseases. Last evaluated: 2022-08-02. Review status: criteria provided, single submitter. Criteria: Ambry Variant Classification Scheme 2023. Collection method: clinical testing. Allele origin: germline.

NM_012281.3(KCND2):c.64G>C (p.Val22Leu)

Gene: KCND2 (potassium voltage-gated channel subfamily D member 2; plus strand). Cytogenetic location: 7q31.31.
Variant type: single nucleotide variant.
Coding change: c.64G>C on transcript NM_012281.3 (MANE Select); coding-DNA position 64, G replaced by C.
Protein change: p.Val22Leu; replaces valine 22 with leucine.
Molecular consequence: missense variant.
Genome position (GRCh38, 1-based): chr7:120,274,696, G>C. VCF-style: chr7-120274696-G-C. GRCh37 (hg19) VCF-style: chr7-119914750-G-C.
Other names: short protein forms V22L.
Identifiers: ClinVar variation 648141 (VCV000648141.11), dbSNP rs746823484, ClinGen allele CA4453458.